The following is an entry in ClinVar:

NM_006343.3(MERTK):c.353G>A (p.Ser118Asn)

Gene: MERTK (MER proto-oncogene, tyrosine kinase; plus strand). Cytogenetic location: 2q13.
Variant type: single nucleotide variant.
Coding change: c.353G>A on transcript NM_006343.3 (MANE Select); coding-DNA position 353, G replaced by A.
Protein change: p.Ser118Asn; replaces serine 118 with asparagine.
Molecular consequence: missense variant.
Genome position (GRCh38, 1-based): chr2:111,929,411, G>A. VCF-style: chr2-111929411-G-A. GRCh37 (hg19) VCF-style: chr2-112686988-G-A.
Other names: short protein forms S118N.
Identifiers: ClinVar variation 95371 (VCV000095371.24), dbSNP rs13027171, ClinGen allele CA148489.

ClinVar aggregate classification (germline): Benign. Review status: criteria provided, multiple submitters, no conflicts (2 of 4 stars). 8 submissions from 8 submitters: Benign (8). Last evaluated 2026-02-03.

Conditions:
Retinal dystrophy. Also called: Inherited retinal dystrophy. Identifiers: Orphanet 71862, MedGen C0854723, MeSH D058499, MONDO:0019118, HP:0000556.
Retinitis pigmentosa (RP). Identifiers: Orphanet 791, MedGen C0035334, MeSH D012174, MONDO:0019200, OMIM 268000. Inheritance: Autosomal dominant, autosomal recessive and X linked inheritance.
Retinitis pigmentosa 38 (RP38). Also called: ROD-CONE DYSTROPHY, CHILDHOOD-ONSET. Identifiers: Orphanet 791, MedGen C3151228, MONDO:0013469, OMIM 613862.

Allele frequency attached by ClinVar (database versions not stated): 1000 Genomes Project 30x 0.16833; TOPMed 0.19929; gnomAD 0.20460 and 0.20771; ESP Exome Variant Server 0.22190; gnomAD exomes 0.27650 and 0.23108; ExAC 0.23129; 1000 Genomes Project 0.16813.
gnomAD v4.1: 435,028 of 1,613,700 alleles (27%); highest among the groups gnomAD compares: Middle Eastern, 30%; 62,173 homozygotes.

Submissions (8):

Labcorp Genetics (formerly Invitae), Labcorp
Classification: Benign. Last evaluated: 2026-02-03. Review status: criteria provided, single submitter. Criteria: Invitae Variant Classification Sherloc (09022015). Collection method: clinical testing. Allele origin: germline.

Blueprint Genetics
Classification: Benign. Last evaluated: 2024-11-26. Review status: criteria provided, single submitter. Criteria: ACMG Guidelines, 2015. Collection method: clinical testing. Allele origin: germline.

Dept Of Ophthalmology, Nagoya University
Classification: Benign for Retinal dystrophy. Last evaluated: 2023-10-01. Review status: criteria provided, single submitter. Criteria: Submitter's publication. Collection method: research. Allele origin: germline. Affected: yes.

Genome-Nilou Lab
Classification: Benign for Retinitis pigmentosa 38. Last evaluated: 2021-09-05. Review status: criteria provided, single submitter. Criteria: ACMG Guidelines, 2015. Collection method: clinical testing. Allele origin: germline. Affected: no.

GeneDx
Classification: Benign. Last evaluated: 2018-09-20. Review status: criteria provided, single submitter. Criteria: GeneDx Variant Classification Process June 2021. Collection method: clinical testing. Allele origin: germline. Affected: yes.

Illumina Laboratory Services, Illumina
Classification: Benign for Retinitis pigmentosa. Last evaluated: 2018-01-12. Review status: criteria provided, single submitter. Criteria: ICSL Variant Classification Criteria 13 December 2019. Collection method: clinical testing. Allele origin: germline.
Comment: This variant was observed in the ICSL laboratory as part of a predisposition screen in an ostensibly healthy population. It had not been previously curated by ICSL or reported in the Human Gene Mutation Database (HGMD: prior to June 1st, 2018), and was therefore a candidate for classification through an automated scoring system. Utilizing variant allele frequency, disease prevalence and penetrance estimates, and inheritance mode, an automated score was calculated to assess if this variant is too frequent to cause the disease. Based on the score and internal cut-off values, a variant classified as benign is not then subjected to further curation. The score for this variant resulted in a classification of benign for this disease.

Eurofins Ntd Llc (ga)
Classification: Benign. Last evaluated: 2014-04-07. Review status: criteria provided, single submitter. Criteria: EGL Classification Definitions 2015. Collection method: clinical testing. Allele origin: germline. Observed: 19 variant alleles, 15 heterozygotes, 4 homozygotes.

Breakthrough Genomics
Classification: Benign. Review status: criteria provided, single submitter. Criteria: ACMG Guidelines, 2015. Collection method: not provided. Allele origin: germline. Inheritance: Autosomal recessive inheritance. Affected: yes.